The following is an entry in ClinVar:

NM_001009944.3(PKD1):c.2985+2T>A

Gene: PKD1 (polycystin 1, transient receptor potential channel interacting; minus strand). Cytogenetic location: 16p13.3.
Variant type: single nucleotide variant.
Coding change: c.2985+2T>A on transcript NM_001009944.3 (MANE Select); the canonical splice donor site of the intron after coding-DNA position 2985, T replaced by A.
Molecular consequence: splice donor variant.
Genome position (GRCh38, 1-based): chr16:2,113,159, A>T on the plus strand (T>A on the coding strand, the complement: PKD1 is on the minus strand). VCF-style: chr16-2113159-A-T. GRCh37 (hg19) VCF-style: chr16-2163160-A-T.
Other names: c.2985+2T>A (NM_000296.4).
Identifiers: ClinVar variation 5018607 (VCV005018607.1).

ClinVar aggregate classification (germline): Uncertain significance (1 of 4 stars; one submission).

Conditions:
Polycystic kidney disease, adult type (PKD1). Also called: Polycystic Kidney, Autosomal Dominant; POLYCYSTIC KIDNEY DISEASE, ADULT, TYPE I; Polycystic Kidney Disease 1, Autosomal Dominant; Polycystic kidney disease 1; Polycystic kidney disease 1, severe; POLYCYSTIC KIDNEY DISEASE 1 WITH OR WITHOUT POLYCYSTIC LIVER DISEASE. Identifiers: MedGen C3149841, MONDO:0008263, OMIM 173900.

Submission:

Juno Genomics, Hangzhou Juno Genomics, Inc
Classification: Uncertain significance for Polycystic kidney disease, adult type. Review status: criteria provided, single submitter. Criteria: ACMG Guidelines, 2015. Collection method: clinical testing. Allele origin: germline. Affected: yes.
Comment: Absent from controls (or at extremely low frequency if recessive) in Genome Aggregation Database.;Null variant in a gene where loss of function (LOF) is a known mechanism of disease.;The prevalence of the variant in affected individuals is significantly increased compared to the prevalence in controls.;Patient's phenotype or family history is highly specific for a disease with a single genetic etiology.